The following is an entry in ClinVar:

ClinVar aggregate classification (germline): Uncertain significance. Review status: criteria provided, multiple submitters, no conflicts (2 of 4 stars). 2 submissions from 2 submitters: Uncertain significance (2). Last evaluated 2026-07-21.

Conditions:
CUL7-related disorder. Also called: CUL7-related condition.

Allele frequency attached by ClinVar (database versions not stated): gnomAD exomes below 0.00001.
gnomAD v4.1: 1 of 1,613,046 alleles (0.000062%); highest among the groups gnomAD compares: Non-Finnish European, 0.000085%; no homozygotes.

Submissions (2):

PreventionGenetics, part of Exact Sciences
Classification: Uncertain significance for CUL7-related condition. Last evaluated: 2026-07-21. Review status: criteria provided, single submitter. Criteria: ACMG Guidelines, 2015. Collection method: clinical testing. Allele origin: germline.
Comment: The CUL7 c.2290G>A variant is predicted to result in the amino acid substitution p.Gly764Arg. To our knowledge, this variant has not been reported in the literature or in a large population database (gnomAD), indicating this variant is rare. At this time, the clinical significance of this variant is uncertain due to the absence of conclusive functional and genetic evidence.

Labcorp Genetics (formerly Invitae), Labcorp
Classification: Uncertain significance. Last evaluated: 2021-10-12. Review status: criteria provided, single submitter. Criteria: Invitae Variant Classification Sherloc (09022015). Collection method: clinical testing. Allele origin: germline.
Comment: This sequence change replaces glycine with arginine at codon 764 of the CUL7 protein (p.Gly764Arg). The glycine residue is moderately conserved and there is a moderate physicochemical difference between glycine and arginine. This variant is not present in population databases (ExAC no frequency). This variant has not been reported in the literature in individuals affected with CUL7-related conditions. Algorithms developed to predict the effect of missense changes on protein structure and function are either unavailable or do not agree on the potential impact of this missense change (SIFT: "Tolerated"; PolyPhen-2: "Probably Damaging"; Align-GVGD: "Class C0"). In summary, the available evidence is currently insufficient to determine the role of this variant in disease. Therefore, it has been classified as a Variant of Uncertain Significance.

NM_014780.5(CUL7):c.2290G>A (p.Gly764Arg)

Gene: CUL7 (cullin 7; minus strand). Cytogenetic location: 6p21.1.
Variant type: single nucleotide variant.
Coding change: c.2290G>A on transcript NM_014780.5 (MANE Select); coding-DNA position 2290, G replaced by A.
Protein change: p.Gly764Arg; replaces glycine 764 with arginine.
Molecular consequence: missense variant.
Genome position (GRCh38, 1-based): chr6:43,046,987, C>T on the plus strand (G>A on the coding strand, the complement: CUL7 is on the minus strand). VCF-style: chr6-43046987-C-T. GRCh37 (hg19) VCF-style: chr6-43014725-C-T.
Other names: c.2386G>A, p.Gly796Arg (NM_001168370.2, NM_001374872.1); c.2290G>A, p.Gly764Arg (NM_001374873.1, NM_001374874.1); c.2290G>A (NM_014780.4); short protein forms G764R, G796R.
Identifiers: ClinVar variation 1373440 (VCV001373440.4), dbSNP rs901304548, ClinGen allele CA138248682.